The following is an entry in ClinVar:

ClinVar aggregate classification (germline): Uncertain significance (1 of 4 stars; one submission).

Allele frequency attached by ClinVar (database versions not stated): gnomAD exomes 0.00001; ExAC 0.00002; ESP Exome Variant Server 0.00016.
gnomAD v4.1: 7 of 1,613,900 alleles (0.00043%); highest among the groups gnomAD compares: Non-Finnish European, 0.00059%; no homozygotes.

Submission:

Labcorp Genetics (formerly Invitae), Labcorp
Classification: Uncertain significance. Last evaluated: 2021-02-03. Review status: criteria provided, single submitter. Criteria: Invitae Variant Classification Sherloc (09022015). Collection method: clinical testing. Allele origin: germline.
Comment: In summary, the available evidence is currently insufficient to determine the role of this variant in disease. Therefore, it has been classified as a Variant of Uncertain Significance. Algorithms developed to predict the effect of missense changes on protein structure and function (SIFT, PolyPhen-2, Align-GVGD) all suggest that this variant is likely to be tolerated, but these predictions have not been confirmed by published functional studies and their clinical significance is uncertain. This variant has not been reported in the literature in individuals with OTOGL-related conditions. This variant is present in population databases (rs201528074, ExAC 0.003%). This sequence change replaces glutamic acid with glycine at codon 675 of the OTOGL protein (p.Glu675Gly). The glutamic acid residue is highly conserved and there is a moderate physicochemical difference between glutamic acid and glycine.

NM_001378609.3(OTOGL):c.2051A>G (p.Glu684Gly)

Gene: OTOGL (otogelin like; plus strand). Cytogenetic location: 12q21.31.
Variant type: single nucleotide variant.
Coding change: c.2051A>G on transcript NM_001378609.3 (MANE Select); coding-DNA position 2051, A replaced by G.
Protein change: p.Glu684Gly; replaces glutamic acid 684 with glycine.
Molecular consequence: missense variant.
Genome position (GRCh38, 1-based): chr12:80,265,037, A>G. VCF-style: chr12-80265037-A-G. GRCh37 (hg19) VCF-style: chr12-80658817-A-G.
Other names: c.2051A>G, p.Glu684Gly (NM_001368062.3, NM_001378610.3, NM_173591.7); short protein forms E684G.
Identifiers: ClinVar variation 1472164 (VCV001472164.8), dbSNP rs201528074, ClinGen allele CA6700662.